The following is an entry in ClinVar:

ClinVar aggregate classification (germline): Uncertain significance (1 of 4 stars; one submission).

Submission:

Clinical Genomics Laboratory, Laboratory for Precision Diagnostics, University of Washington
Classification: Uncertain significance. Last evaluated: 2017-11-16. Review status: criteria provided, single submitter. Criteria: Clinical Cytogenomics Laboratory Policy on CNV Interpretation. Collection method: clinical testing. Allele origin: unknown. Affected: yes. Observed: 1 variant allele.

GRCh37/hg19 2q37.2(chr2:236023370-236430846)x3

Gene: AGAP1 (ArfGAP with GTPase domain, ankyrin repeat and PH domain 1; plus strand). Cytogenetic location: 2q37.2.
Variant type: copy number gain.
Change: copy number 3 (three copies instead of two) of chr2:236,023,370-236,430,846 (407.5 kb, GRCh37 coordinates, 1-based), cytogenetic band 2q37.2.
Identifiers: ClinVar variation 548969 (VCV000548969.3).